The following is an entry in ClinVar:

NM_001370259.2(MEN1):c.1486A>C (p.Lys496Gln)

Gene: MEN1 (menin 1; minus strand). Cytogenetic location: 11q13.1.
Variant type: single nucleotide variant.
Coding change: c.1486A>C on transcript NM_001370259.2 (MANE Select); coding-DNA position 1486, A replaced by C.
Protein change: p.Lys496Gln; replaces lysine 496 with glutamine.
Molecular consequence: missense variant. On other transcripts: non-coding transcript variant (4).
Genome position (GRCh38, 1-based): chr11:64,804,681, T>G on the plus strand (A>C on the coding strand, the complement: MEN1 is on the minus strand). VCF-style: chr11-64804681-T-G. GRCh37 (hg19) VCF-style: chr11-64572153-T-G.
Other names: c.1501A>C, p.Lys501Gln (NM_000244.4, NM_001407145.1, NM_130800.3 and 4 more transcripts); c.1612A>C, p.Lys538Gln (NM_001370251.2, NM_001407142.1, NM_001407143.1 and 1 more transcripts); c.1486A>C, p.Lys496Gln (NM_001370260.2, NM_001370261.2, NM_001407146.1 and 2 more transcripts); c.1381A>C, p.Lys461Gln (NM_001370262.2, NM_001370263.2, NM_001407148.1 and 1 more transcripts); c.1627A>C, p.Lys543Gln (NM_001407150.1); c.1507A>C, p.Lys503Gln (NM_001407151.1); c.1321A>C, p.Lys441Gln (NM_001407152.1); short protein forms K501Q, K543Q, K441Q, K496Q, K503Q, K461Q, K538Q.
Identifiers: ClinVar variation 2450228 (VCV002450228.2), dbSNP rs2497120808, ClinGen allele CA381178981.

ClinVar aggregate classification (germline): Uncertain significance (1 of 4 stars; one submission).

Conditions:
Hereditary cancer-predisposing syndrome. Also called: Neoplastic Syndromes, Hereditary; Tumor predisposition; Hereditary neoplastic syndrome; Hereditary Cancer Syndrome. Identifiers: Orphanet 140162, MedGen C0027672, MeSH D009386, MONDO:0015356.

Submission:

Ambry Genetics
Classification: Uncertain significance for Hereditary cancer-predisposing syndrome. Last evaluated: 2023-01-18. Review status: criteria provided, single submitter. Criteria: Ambry Variant Classification Scheme 2023. Collection method: clinical testing. Allele origin: germline.
Comment: The p.K496Q variant (also known as c.1486A>C), located in coding exon 9 of the MEN1 gene, results from an A to C substitution at nucleotide position 1486. The lysine at codon 496 is replaced by glutamine, an amino acid with similar properties. This amino acid position is conserved. In addition, the in silico prediction for this alteration is inconclusive. Since supporting evidence is limited at this time, the clinical significance of this alteration remains unclear.